The following is an entry in ClinVar:

NM_000521.4(HEXB):c.1598G>A (p.Arg533His)

Gene: HEXB (hexosaminidase subunit beta; plus strand). Cytogenetic location: 5q13.3.
Variant type: single nucleotide variant.
Coding change: c.1598G>A on transcript NM_000521.4 (MANE Select); coding-DNA position 1598, G replaced by A.
Protein change: p.Arg533His; replaces arginine 533 with histidine.
Molecular consequence: missense variant.
Genome position (GRCh38, 1-based): chr5:74,720,732, G>A. VCF-style: chr5-74720732-G-A. GRCh37 (hg19) VCF-style: chr5-74016557-G-A.
Other names: p.Arg533His; c.923G>A, p.Arg308His (NM_001292004.2); short protein forms R308H, R533H.
Identifiers: ClinVar variation 1301333 (VCV001301333.15), dbSNP rs1291555996, ClinGen allele CA360071579.

ClinVar aggregate classification (germline): Pathogenic/Likely pathogenic. Review status: criteria provided, multiple submitters, no conflicts (2 of 4 stars). 10 submissions from 10 submitters: Pathogenic (7); Likely pathogenic (3). Last evaluated 2025-11-10.

Conditions:
HEXB-related disorder. Also called: HEXB-related condition.
Sandhoff disease. Also called: Beta-hexosaminidase-beta-subunit deficiency; GM2 gangliosidosis, type 2; Total hexosaminidase deficiency; Sandhoff-Jatzkewitz-Pilz disease; GM2-GANGLIOSIDOSIS, TYPE II; HEXOSAMINIDASES A AND B DEFICIENCY. Identifiers: Orphanet 796, MedGen C0036161, MONDO:0010006, OMIM 268800.

Allele frequency attached by ClinVar (database versions not stated): gnomAD 0.00001; gnomAD exomes 0.00002; TOPMed 0.00002.
gnomAD v4.1: 27 of 1,613,022 alleles (0.0017%); highest among the groups gnomAD compares: East Asian, 0.0022%; no homozygotes.

Submissions (10):

Natera, Inc.
Classification: Pathogenic for Sandhoff disease. Last evaluated: 2025-11-10. Review status: criteria provided, single submitter. Criteria: Natera Variant Classification Schema (03/2026). Collection method: clinical testing. Allele origin: germline.
Comment: The c.1598G>A variant in HEXB is a missense variant predicted to cause substitution of arginine to histidine at amino acid 533. This variant is rare in the general population with a frequency below the threshold expected for the associated phenotype(s). This variant has been observed in one or more individuals affected with the associated recessive disease, as either homozygous or compound heterozygous with a second variant (PMID: 35186388, 33824075, 18758829). Functional studies show that this variant may disrupt protein function (PMID: 11897243, 23127958). A different variant at the same position has been determined to be Pathogenic or Likely Pathogenic. Computational prediction algorithms indicate this variant is likely to affect gene or protein function. Given the available evidence, this variant is classified as Pathogenic.

Genomic Medicine Center of Excellence, King Faisal Specialist Hospital and Research Centre
Classification: Pathogenic for Sandhoff disease. Last evaluated: 2025-09-10. Review status: criteria provided, single submitter. Criteria: ACMG Guidelines, 2015. Collection method: clinical testing. Allele origin: germline.

PreventionGenetics, part of Exact Sciences
Classification: Likely pathogenic for HEXB-related condition. Last evaluated: 2025-07-09. Review status: criteria provided, single submitter. Criteria: ACMG Guidelines, 2015. Collection method: clinical testing. Allele origin: germline.
Comment: The HEXB c.1598G>A variant is predicted to result in the amino acid substitution p.Arg533His. This variant has been reported in the compound heterozygous or homozygous state in individuals with juvenile- or adult-onset Sandhoff disease (see for example: Yoshizawa et al. 2002. PubMed ID: 11897243; Zampieri et al. 2009. PubMed ID: 18758829; Gowda et al. 2022. PubMed ID: 35186388). Experimental studies indicate this variant reduces enzyme activity (Yoshizawa et al. 2002. PubMed ID: 11897243). This variant has not been reported in a large population database (gnomAD), indicating it is rare. Other missense variants affecting the same amino acid (p.Arg533Cys, p.Arg533Leu) have also been reported in individuals with Sandhoff disease (Kaya et al. 2011. PubMed ID: 21567908; see supplemetary Table, Ries et al. 2022. PubMed ID: 36194207). This variant is interpreted as likely pathogenic.

Women's Health and Genetics/Laboratory Corporation of America, LabCorp
Classification: Pathogenic for Sandhoff disease. Last evaluated: 2024-07-03. Review status: criteria provided, single submitter. Criteria: LabCorp Variant Classification Summary - May 2015. Collection method: clinical testing. Allele origin: germline.
Comment: Variant summary: HEXB c.1598G>A (p.Arg533His) results in a non-conservative amino acid change in the encoded protein sequence. Five of five in-silico tools predict a damaging effect of the variant on protein function. The variant was absent in 251256 control chromosomes. c.1598G>A has been reported in the literature as a compound heterozygous genotype in at-least two individuals affected with adult onset Sandhoff Disease (example, Yoshizawa_2002, Khani_2021). A different variant affecting the same codon has been classified as pathogenic by our lab (c.1597C>T, p.Arg533Cys), supporting the critical relevance of codon 533 to HEXB protein function. At least one publication reports experimental evidence evaluating an impact on protein function. The most pronounced variant effect results in a severely decreased beta Hexosaminidase enzyme activity in an in-vitro (COS1 cells) experimental system (example, Yoshizawa_2002). The following publications have been ascertained in the context of this evaluation (PMID: 33824075, 29448188, 31995250, 23127958, 11897243, 22848519). ClinVar contains an entry for this variant (Variation ID: 1301333). Based on the evidence outlined above, the variant was classified as pathogenic.

Labcorp Genetics (formerly Invitae), Labcorp
Classification: Pathogenic for Sandhoff disease. Last evaluated: 2024-03-12. Review status: criteria provided, single submitter. Criteria: Invitae Variant Classification Sherloc (09022015). Collection method: clinical testing. Allele origin: germline.
Comment: This sequence change replaces arginine, which is basic and polar, with histidine, which is basic and polar, at codon 533 of the HEXB protein (p.Arg533His). This variant is not present in population databases (gnomAD no frequency). This missense change has been observed in individual(s) with Sandhoff disease (PMID: 11897243, 18758829). In at least one individual the data is consistent with being in trans (on the opposite chromosome) from a pathogenic variant. ClinVar contains an entry for this variant (Variation ID: 1301333). Advanced modeling of protein sequence and biophysical properties (such as structural, functional, and spatial information, amino acid conservation, physicochemical variation, residue mobility, and thermodynamic stability) performed at Invitae indicates that this missense variant is expected to disrupt HEXB protein function with a positive predictive value of 95%. Experimental studies have shown that this missense change affects HEXB function (PMID: 11897243). This variant disrupts the p.Arg533 amino acid residue in HEXB. Other variant(s) that disrupt this residue have been determined to be pathogenic (PMID: 21567908, 22848519, 23010210, 27682710). This suggests that this residue is clinically significant, and that variants that disrupt this residue are likely to be disease-causing. For these reasons, this variant has been classified as Pathogenic.

Human Genetics Bochum, Ruhr University Bochum
Classification: Likely pathogenic for Sandhoff disease. Last evaluated: 2023-09-12. Review status: criteria provided, single submitter. Criteria: ACMG Guidelines, 2015. Collection method: clinical testing. Allele origin: germline. Affected: yes.
Comment: ACMG criteria used to clasify this variant: PP3_STR, PM1, PM2_SUP

Kariminejad - Najmabadi Pathology & Genetics Center
Classification: Pathogenic for Sandhoff disease. Last evaluated: 2023-06-20. Review status: criteria provided, single submitter. Criteria: ACMG Guidelines, 2015. Collection method: clinical testing. Allele origin: germline. Inheritance: Autosomal recessive inheritance. Affected: yes.
Comment: PM2,PM5,PP3_strong,PP5_moderate

Mayo Clinic Laboratories, Mayo Clinic
Classification: Pathogenic. Last evaluated: 2023-05-10. Review status: criteria provided, single submitter. Criteria: ACMG Guidelines, 2015. Collection method: clinical testing. Allele origin: germline. Observed: 1 variant allele.
Comment: PM2, PM3, PM5, PS3

Fulgent Genetics
Classification: Likely pathogenic for Sandhoff disease. Last evaluated: 2022-04-28. Review status: criteria provided, single submitter. Criteria: ACMG Guidelines, 2015. Collection method: clinical testing. Allele origin: unknown.

Juno Genomics, Hangzhou Juno Genomics, Inc
Classification: Pathogenic for Sandhoff disease. Review status: criteria provided, single submitter. Criteria: ACMG Guidelines, 2015. Collection method: clinical testing. Allele origin: germline.
Comment: Absent from controls (or at extremely low frequency if recessive) in Genome Aggregation Database.;Well-established in vitro or in vivo functional studies supportive of a damaging effect on the gene or gene product.;For recessive disorders, detected in trans with a pathogenic variant.;Patient's phenotype or family history is highly specific for a disease with a single genetic etiology.;Novel missense change at an amino acid residue where a different missense change determined to be pathogenic has been seen before.

Literature cited by the submitters: PubMed 35186388 (cited by Natera, Inc.); PubMed 33824075 (cited by 3 submitters); PubMed 18758829 (cited by 3 submitters); PubMed 11897243 (cited by 5 submitters); PubMed 23127958 (cited by 3 submitters); PubMed 22848519 (cited by 3 submitters); PubMed 29448188 (cited by Women's Health and Genetics/Laboratory Corporation of America, LabCorp and Mayo Clinic Laboratories, Mayo Clinic); PubMed 31995250 (cited by Women's Health and Genetics/Laboratory Corporation of America, LabCorp); PubMed 21567908 (cited by Labcorp Genetics (formerly Invitae), Labcorp); PubMed 23010210 (cited by Labcorp Genetics (formerly Invitae), Labcorp); PubMed 27682710 (cited by Labcorp Genetics (formerly Invitae), Labcorp); PubMed 23113155 (cited by Mayo Clinic Laboratories, Mayo Clinic); PubMed 31367523 (cited by Mayo Clinic Laboratories, Mayo Clinic).